The following is an entry in ClinVar:

ClinVar aggregate classification (germline): Uncertain significance. Review status: criteria provided, multiple submitters, no conflicts (2 of 4 stars). 2 submissions from 2 submitters: Uncertain significance (2). Last evaluated 2022-08-05.

Conditions:
Saldino-Mainzer syndrome (SRTD9). Also called: CONORENAL SYNDROME; SHORT-RIB THORACIC DYSPLASIA 9 WITHOUT POLYDACTYLY; short-rib thoracic dysplasia 9 with or without polydactyly; Renal dysplasia, retinal pigmentary dystrophy, cerebellar ataxia and skeletal dysplasia. Identifiers: Orphanet 140969, MedGen C1849437, MONDO:0009964, OMIM 266920.
Retinitis pigmentosa 80 (RP80). Identifiers: MedGen C4540439, MONDO:0054708, OMIM 617781.

Allele frequency attached by ClinVar (database versions not stated): gnomAD exomes 0.00001 and 0.00002; ExAC 0.00002; gnomAD 0.00002; TOPMed 0.00002; ESP Exome Variant Server 0.00008.
gnomAD v4.1: 26 of 1,614,000 alleles (0.0016%); highest among the groups gnomAD compares: Admixed American, 0.005%; 1 homozygote.

Submissions (2):

Labcorp Genetics (formerly Invitae), Labcorp
Classification: Uncertain significance for Saldino-Mainzer syndrome. Last evaluated: 2022-08-05. Review status: criteria provided, single submitter. Criteria: Invitae Variant Classification Sherloc (09022015). Collection method: clinical testing. Allele origin: germline.
Comment: In summary, the available evidence is currently insufficient to determine the role of this variant in disease. Therefore, it has been classified as a Variant of Uncertain Significance. Algorithms developed to predict the effect of missense changes on protein structure and function output the following: SIFT: "Tolerated"; PolyPhen-2: "Benign"; Align-GVGD: "Class C0". The methionine amino acid residue is found in multiple mammalian species, which suggests that this missense change does not adversely affect protein function. ClinVar contains an entry for this variant (Variation ID: 969198). This variant has not been reported in the literature in individuals affected with IFT140-related conditions. This variant is present in population databases (rs140020318, gnomAD 0.007%). This sequence change replaces threonine, which is neutral and polar, with methionine, which is neutral and non-polar, at codon 258 of the IFT140 protein (p.Thr258Met).

Fulgent Genetics
Classification: Uncertain significance for Saldino-Mainzer syndrome; Retinitis pigmentosa 80. Last evaluated: 2021-11-03. Review status: criteria provided, single submitter. Criteria: ACMG Guidelines, 2015. Collection method: clinical testing. Allele origin: unknown.

NM_014714.4(IFT140):c.773C>T (p.Thr258Met)

Genes: IFT140 (intraflagellar transport 140; minus strand), LOC105371046 (uncharacterized LOC105371046; plus strand). Cytogenetic location: 16p13.3.
Variant type: single nucleotide variant.
Coding change: c.773C>T on transcript NM_014714.4 (MANE Select); coding-DNA position 773, C replaced by T.
Protein change: p.Thr258Met; replaces threonine 258 with methionine.
Molecular consequence: missense variant.
Genome position (GRCh38, 1-based): chr16:1,589,642, G>A on the plus strand (C>T on the coding strand, the complement: IFT140 is on the minus strand). VCF-style: chr16-1589642-G-A. GRCh37 (hg19) VCF-style: chr16-1639643-G-A.
Other names: short protein forms T258M.
Identifiers: ClinVar variation 969198 (VCV000969198.11), dbSNP rs140020318, ClinGen allele CA7814579.